The following is an entry in ClinVar:

ClinVar aggregate classification (germline): Pathogenic/Likely pathogenic. Review status: criteria provided, multiple submitters, no conflicts (2 of 4 stars). 11 submissions from 11 submitters: Pathogenic (6); Likely pathogenic (4). 1 of the submissions does not count toward it. Last evaluated 2026-01-02.

Conditions:
Hereditary cancer-predisposing syndrome. Also called: Tumor predisposition; Neoplastic Syndromes, Hereditary; Hereditary Cancer Syndrome; Hereditary neoplastic syndrome. Identifiers: Orphanet 140162, MedGen C0027672, MeSH D009386, MONDO:0015356.
Familial cancer of breast. Also called: BREAST CANCER, FAMILIAL; Hereditary breast cancer; hereditary breast carcinoma. Identifiers: Orphanet 227535, MedGen C0346153, MONDO:0016419, OMIM 114480. Disease mechanism: loss of function.
Ataxia-telangiectasia syndrome (AT). Also called: Cerebello-oculocutaneous telangiectasia; Immunodeficiency with ataxia telangiectasia; ATAXIA-TELANGIECTASIA, COMPLEMENTATION GROUP A; Ataxia-telangiectasia, complementation group D; AT, COMPLEMENTATION GROUP C; ATAXIA-TELANGIECTASIA, FRESNO VARIANT. Identifiers: Orphanet 100, MedGen C0004135, MONDO:0008840, OMIM 208900.

Allele frequency attached by ClinVar (database versions not stated): gnomAD exomes 0.00001.
gnomAD v4.1: 3 of 1,613,248 alleles (0.00019%); highest among the groups gnomAD compares: Non-Finnish European, 0.00025%; no homozygotes.

Submissions (11):

Labcorp Genetics (formerly Invitae), Labcorp
Classification: Pathogenic for Ataxia-telangiectasia syndrome. Last evaluated: 2026-01-02. Review status: criteria provided, single submitter. Criteria: Invitae Variant Classification Sherloc (09022015). Collection method: clinical testing. Allele origin: germline.
Comment: This sequence change affects a donor splice site in intron 35 of the ATM gene. RNA analysis indicates that disruption of this splice site induces altered splicing and may result in an absent or altered protein product. This variant is not present in population databases (gnomAD no frequency). Disruption of this splice site has been observed in individual(s) with ataxia telangiectasia (PMID: 17124347, 23454770). ClinVar contains an entry for this variant (Variation ID: 479006). Studies have shown that disruption of this splice site alters ATM gene expression (PMID: 23454770). Studies have shown that disruption of this splice site results in skipping of exon 35, and produces a non-functional protein and/or introduces a premature termination codon (internal data). For these reasons, this variant has been classified as Pathogenic.

GeneKor MSA
Classification: Pathogenic for Hereditary cancer-predisposing syndrome. Last evaluated: 2025-06-25. Review status: criteria provided, single submitter. Criteria: ACMG Guidelines, 2015. Collection method: clinical testing. Allele origin: germline. Affected: yes.
Comment: This mutation occurs in the second nucleotide after exon 35 in ATM gene. This position is highly conserved in the human and other genomes and it is predicted to be involved in mRNA processing. Therefore, this mutation is expected to disrupt RNA splicing. Experimental studies are conflicting on determining the effect of this variant on ATM function (PMID:23454770). Truncating variants in ATM are known to be pathogenic. This variant is present in population databases (rs1555105842) and ClinVar contain entries for this variant (VCV000479006.40). Additionally, it has been described in patients with Ataxia-Telangiectasia and in breast cancer patients (PMID:29522266, 17124347, 8845835, 23055520). Based on the classification criteria set by the ACMG and AMP (PMID:25741868) this variant has been classified as pathogenic.

Natera, Inc.
Classification: Pathogenic for Ataxia-telangiectasia. Last evaluated: 2025-06-25. Review status: criteria provided, single submitter. Criteria: Natera Variant Classification Schema (03/2026). Collection method: clinical testing. Allele origin: germline.
Comment: The c.5319+2T>C variant in ATM is a canonical splice donor site variant predicted to affect pre-mRNA splicing, which may result in an abnormal transcript and altered protein product. This variant is expected to result in nonsense mediated decay, truncation, or a dysfunctional protein product. This variant is rare in the general population with a frequency below the threshold expected for the associated phenotype(s). This variant has been observed in one or more individuals affected with the associated recessive disease, as either homozygous or compound heterozygous with a second variant (PMID: 17124347). Given the available evidence, this variant is classified as Pathogenic.

Ambry Genetics
Classification: Pathogenic for Hereditary cancer-predisposing syndrome. Last evaluated: 2025-05-30. Review status: criteria provided, single submitter. Criteria: Ambry Variant Classification Scheme 2023. Collection method: clinical testing. Allele origin: germline.
Comment: The c.5319+2T>C intronic pathogenic mutation results from a T to C substitution two nucleotides after coding exon 35 of the ATM gene. This alteration has been previously reported (designated as IVS37+2T>C) in a compound heterozygous individual with A-T (with ATM c.5692C>T) (Magliozzi M et al. Dis. Markers. 2006 ;22(4):257-64, Prodosmo A et al.J. Clin. Invest. 2013 Mar;123(3):1335-42). Further, western blot analysis showed no detectable ATM protein, and functional studies on lymphoblastoid cell lines showed a significant decrease in the percentage of mitotic cells with p53 localization at the centrosome, which is directly dependent on ATM function (Prodosmo A et al.J. Clin. Invest. 2013 Mar;123(3):1335-42). This variant is considered to be rare based on population cohorts in the Genome Aggregation Database (gnomAD). This nucleotide position is highly conserved in available vertebrate species. In silico splice site analysis predicts that this alteration will weaken the native splice donor site. RNA studies have demonstrated that this alteration results in abnormal splicing in the set of samples tested (Ambry internal data). In addition to the clinical data presented in the literature, alterations that disrupt the canonical splice site are expected to cause aberrant splicing, resulting in an abnormal protein or a transcript that is subject to nonsense-mediated mRNA decay. As such, this alteration is classified as a disease-causing mutation.

Myriad Genetics, Inc.
Classification: Likely pathogenic for Familial cancer of breast. Last evaluated: 2024-01-25. Review status: criteria provided, single submitter. Criteria: Myriad Autosomal Dominant, Autosomal Recessive and X-Linked Classification Criteria (2023). Collection method: clinical testing. Allele origin: unknown.
Comment: This variant is considered likely pathogenic. This variant occurs within a consensus splice junction and is predicted to result in abnormal mRNA splicing of either an out-of-frame exon or an in-frame exon necessary for protein stability and/or normal function.

Baylor Genetics
Classification: Pathogenic for Familial cancer of breast. Last evaluated: 2023-11-23. Review status: criteria provided, single submitter. Criteria: ACMG Guidelines, 2015. Collection method: clinical testing. Allele origin: unknown.

Color Diagnostics, LLC DBA Color Health
Classification: Likely pathogenic for Hereditary cancer-predisposing syndrome. Last evaluated: 2023-02-27. Review status: criteria provided, single submitter. Criteria: ACMG Guidelines, 2015. Collection method: clinical testing. Allele origin: germline.
Comment: This variant causes a T to C nucleotide substitution at the +2 position of intron 35 of the ATM gene. Splice site prediction tools predict that this variant may have a significant impact on RNA splicing. Although this prediction has not been confirmed in published RNA studies, this variant is expected to result in an absent or disrupted protein product. This variant (also known as IVS37+2T>C in the literature) has been reported in the compound heterozygous state with an additional pathogenic ATM variant in an individual affected with ataxia telangiectasia (PMID: 17124347, 23454770). It has been reported that cells derived from this individual had no detectable ATM protein (PMID: 23454770). This variant has also been reported in at least one individual affected with breast cancer (PMID: 29522266). This variant has not been identified in the general population by the Genome Aggregation Database (gnomAD). Loss of ATM function is a known mechanism of disease. Based on the available evidence, this variant is classified as Likely Pathogenic.

GeneDx
Classification: Pathogenic. Last evaluated: 2022-03-11. Review status: criteria provided, single submitter. Criteria: GeneDx Variant Classification Process June 2021. Collection method: clinical testing. Allele origin: germline. Affected: yes.
Comment: Canonical splice site variant predicted to result in a null allele in a gene for which loss-of-function is a known mechanism of disease; Observed with a pathogenic variant apparently on the opposite allele (in trans) in a patient with classical ataxia telangiectasia syndrome and absent ATM protein expression in published literature (Gilad 1996, Magliozzi 2006, Menotta 2012); Observed in individuals with a personal or family history including breast cancer (Hauke 2016); Not observed at significant frequency in large population cohorts (gnomAD); Also known as IVS37+2T>C; This variant is associated with the following publications: (PMID: 29522266, 17124347, 8845835, 23055520)

AiLife Diagnostics
Classification: Likely pathogenic. Last evaluated: 2022-02-25. Review status: criteria provided, single submitter. Criteria: ACMG Guidelines, 2015. Collection method: clinical testing. Allele origin: germline. Affected: yes. Observed: 1 variant allele.

Women's Health and Genetics/Laboratory Corporation of America, LabCorp
Classification: Likely pathogenic for Ataxia-telangiectasia syndrome. Last evaluated: 2019-03-01. Review status: criteria provided, single submitter. Criteria: LabCorp Variant Classification Summary - May 2015. Collection method: clinical testing. Allele origin: germline.
Comment: Variant summary: ATM c.5319+2T>C is located in a canonical splice-site and is predicted to affect mRNA splicing resulting in a significantly altered protein due to either exon skipping, shortening, or inclusion of intronic material. Computational tools predict a significant impact on normal splicing: Two predict the variant abolishes a 5 splicing donor site. However, these predictions have yet to be confirmed by functional studies. The variant was absent in 245606 control chromosomes (gnomAD). c.5319+2T>C has been reported in the literature in heterozygous state with another pathogenic variant (ATM 5692C>T, R1898X), in an individual affected with Ataxia-Telangiectasia (Magliozzi_2006). Protein expression analysis carried out on cells derived from the patient showed zero ATM protein level (Prodosmo_2013). The variant has also been detected in one breast cancer patient (Hauke_2018). A ClinVar submission from a clinical diagnostic laboratory (evaluation after 2014) cites the variant as likely pathogenic. Based on the evidence outlined above, the variant was classified as likely pathogenic.

BRCAlab, Lund University
Classification: Pathogenic for Familial cancer of breast. Last evaluated: 2022-08-26. Review status: no assertion criteria provided. Collection method: clinical testing. Allele origin: germline. Affected: yes. Not counted in ClinVar's aggregate classification.

Literature cited by the submitters: PubMed 17124347 (cited by 7 submitters); PubMed 23454770 (cited by 5 submitters); PubMed 29522266 (cited by 4 submitters); PubMed 8845835 (cited by GeneKor MSA and Ambry Genetics); PubMed 23055520 (cited by GeneKor MSA).

NM_000051.4(ATM):c.5319+2T>C

Gene: ATM (ATM serine/threonine kinase; plus strand). Cytogenetic location: 11q22.3.
Variant type: single nucleotide variant.
Coding change: c.5319+2T>C on transcript NM_000051.4 (MANE Select); the canonical splice donor site of the intron after coding-DNA position 5319, T replaced by C.
Molecular consequence: splice donor variant.
Genome position (GRCh38, 1-based): chr11:108,301,791, T>C. VCF-style: chr11-108301791-T-C. GRCh37 (hg19) VCF-style: chr11-108172518-T-C.
Other names: c.5319+2T>C (NM_001351834.2).
Identifiers: ClinVar variation 479006 (VCV000479006.43), dbSNP rs1555105842, ClinGen allele CA382542858.
Genomic context (GRCh38, chr11:108,301,791, plus strand): 5'-AGATGACAACAGATCCAATGCTGGCCTATCTACAGCCTTTTAGAACATCAAGAAAAAAGG[T>C]CTCTTAAGTAATAAATGTTTATTGAATACCCAGCATATCTAAAACAGTTCTGTTTGCTGT-3'